The following is an entry in ClinVar:

NM_001376.5(DYNC1H1):c.532A>G (p.Met178Val)

Gene: DYNC1H1 (dynein cytoplasmic 1 heavy chain 1; plus strand). Cytogenetic location: 14q32.31.
Variant type: single nucleotide variant.
Coding change: c.532A>G on transcript NM_001376.5 (MANE Select); coding-DNA position 532, A replaced by G.
Protein change: p.Met178Val; replaces methionine 178 with valine.
Molecular consequence: missense variant.
Genome position (GRCh38, 1-based): chr14:101,979,732, A>G. VCF-style: chr14-101979732-A-G. GRCh37 (hg19) VCF-style: chr14-102446069-A-G.
Other names: short protein forms M178V.
Identifiers: ClinVar variation 4995998 (VCV004995998.1).

ClinVar aggregate classification (germline): Uncertain significance (1 of 4 stars; one submission).

Conditions:
DYNC1H1-related disorder. Also called: DYNC1H1-related disorders; DYNC1H1-related condition. Identifiers: MedGen CN381529.

Submission:

PreventionGenetics, part of Exact Sciences
Classification: Uncertain significance for DYNC1H1-related condition. Last evaluated: 2026-06-12. Review status: criteria provided, single submitter. Criteria: ACMG Guidelines, 2015. Collection method: clinical testing. Allele origin: germline.
Comment: The DYNC1H1 c.532A>G variant is predicted to result in the amino acid substitution p.Met178Val. To our knowledge, this variant has not been reported in the literature or in a large population database (gnomAD), indicating this variant is rare. At this time, the clinical significance of this variant is uncertain due to the absence of conclusive functional and genetic evidence.